The following is an entry in ClinVar:

NM_000155.4(GALT):c.913A>G (p.Thr305Ala)

Gene: GALT (galactose-1-phosphate uridylyltransferase; plus strand). Cytogenetic location: 9p13.3.
Variant type: single nucleotide variant.
Coding change: c.913A>G on transcript NM_000155.4 (MANE Select); coding-DNA position 913, A replaced by G.
Protein change: p.Thr305Ala; replaces threonine 305 with alanine.
Molecular consequence: missense variant.
Genome position (GRCh38, 1-based): chr9:34,649,418, A>G. VCF-style: chr9-34649418-A-G. GRCh37 (hg19) VCF-style: chr9-34649415-A-G.
Other names: c.586A>G, p.Thr196Ala (NM_001258332.2); short protein forms T196A, T305A.
Identifiers: ClinVar variation 4620597 (VCV004620597.2).

ClinVar aggregate classification (germline): Uncertain significance. Review status: criteria provided, multiple submitters, no conflicts (2 of 4 stars). 2 submissions from 2 submitters: Uncertain significance (2). Last evaluated 2026-02-03.

Conditions:
Inborn genetic diseases. Identifiers: MedGen C0950123, MeSH D030342.

gnomAD v4.1: 32 of 1,614,028 alleles (0.002%); highest among the groups gnomAD compares: African/African-American, 0.004%; no homozygotes.

Submissions (2):

GeneDx
Classification: Uncertain significance. Last evaluated: 2026-02-03. Review status: criteria provided, single submitter. Criteria: GeneDx Variant Classification Process June 2021. Collection method: clinical testing. Allele origin: germline.
Comment: Not observed at significant frequency in large population cohorts (gnomAD); In silico analysis supports that this missense variant has a deleterious effect on protein structure/function; Has not been previously published as pathogenic or benign to our knowledge

Ambry Genetics
Classification: Uncertain significance for Inborn genetic diseases. Last evaluated: 2025-12-11. Review status: criteria provided, single submitter. Criteria: Ambry Variant Classification Scheme 2023. Collection method: clinical testing. Allele origin: germline.